The following is an entry in ClinVar:

NM_015378.4(VPS13D):c.5428A>T (p.Ile1810Phe)

Gene: VPS13D (vacuolar protein sorting 13 homolog D; plus strand). Cytogenetic location: 1p36.22.
Variant type: single nucleotide variant.
Coding change: c.5428A>T on transcript NM_015378.4 (MANE Select); coding-DNA position 5428, A replaced by T.
Protein change: p.Ile1810Phe; replaces isoleucine 1810 with phenylalanine.
Molecular consequence: missense variant.
Genome position (GRCh38, 1-based): chr1:12,283,530, A>T. VCF-style: chr1-12283530-A-T. GRCh37 (hg19) VCF-style: chr1-12343587-A-T.
Other names: c.5428A>T, p.Ile1810Phe (NM_018156.4); short protein forms I1810F.
Identifiers: ClinVar variation 1474869 (VCV001474869.5), dbSNP rs1641861749, ClinGen allele CA338483663.

ClinVar aggregate classification (germline): Uncertain significance (1 of 4 stars; one submission).

Allele frequency attached by ClinVar (database versions not stated): TOPMed below 0.00001.

Submission:

Labcorp Genetics (formerly Invitae), Labcorp
Classification: Uncertain significance. Last evaluated: 2021-09-24. Review status: criteria provided, single submitter. Criteria: Invitae Variant Classification Sherloc (09022015). Collection method: clinical testing. Allele origin: germline.
Comment: This sequence change replaces isoleucine with phenylalanine at codon 1810 of the VPS13D protein (p.Ile1810Phe). The isoleucine residue is moderately conserved and there is a small physicochemical difference between isoleucine and phenylalanine. This variant is not present in population databases (ExAC no frequency). This variant has not been reported in the literature in individuals with VPS13D-related conditions. Algorithms developed to predict the effect of missense changes on protein structure and function are either unavailable or do not agree on the potential impact of this missense change (SIFT: "Not Available"; PolyPhen-2: "Benign"; Align-GVGD: "Not Available"). In summary, the available evidence is currently insufficient to determine the role of this variant in disease. Therefore, it has been classified as a Variant of Uncertain Significance.